The following is an entry in ClinVar:

ClinVar aggregate classification (germline): Uncertain significance. Review status: criteria provided, multiple submitters, no conflicts (2 of 4 stars). 2 submissions from 2 submitters: Uncertain significance (2). Last evaluated 2025-11-09.

Conditions:
Hepatic methionine adenosyltransferase deficiency. Also called: Methionine adenosyltransferase deficiency; MAT I/III DEFICIENCY; Isolated Persistent Hypermethioninemia; Deficiency of methionine adenosyltransferase. Identifiers: Orphanet 168598, MedGen C0268621, MeSH C564683, MONDO:0009607, OMIM 250850.

Allele frequency attached by ClinVar (database versions not stated): gnomAD 0.00001 and 0.00003; ExAC 0.00003.

Submissions (2):

Labcorp Genetics (formerly Invitae), Labcorp
Classification: Uncertain significance for Hepatic methionine adenosyltransferase deficiency. Last evaluated: 2025-11-09. Review status: criteria provided, single submitter. Criteria: Invitae Variant Classification Sherloc (09022015). Collection method: clinical testing. Allele origin: germline.
Comment: This sequence change replaces isoleucine, which is neutral and non-polar, with valine, which is neutral and non-polar, at codon 90 of the MAT1A protein (p.Ile90Val). This variant is present in population databases (rs767250995, gnomAD 0.05%). This variant has not been reported in the literature in individuals affected with MAT1A-related conditions. ClinVar contains an entry for this variant (Variation ID: 1415197). Invitae Evidence Modeling of protein sequence and biophysical properties (such as structural, functional, and spatial information, amino acid conservation, physicochemical variation, residue mobility, and thermodynamic stability) indicates that this missense variant is not expected to disrupt MAT1A protein function with a negative predictive value of 80%. In summary, the available evidence is currently insufficient to determine the role of this variant in disease. Therefore, it has been classified as a Variant of Uncertain Significance.

Women's Health and Genetics/Laboratory Corporation of America, LabCorp
Classification: Uncertain significance. Last evaluated: 2025-06-03. Review status: criteria provided, single submitter. Criteria: LabCorp Variant Classification Summary - May 2015. Collection method: clinical testing. Allele origin: germline.
Comment: Variant summary: MAT1A c.268A>G (p.Ile90Val) results in a conservative amino acid change in the encoded protein sequence. Algorithms developed to predict the effect of missense changes on protein structure and function are either unavailable or do not agree on the potential impact of this missense change. The variant allele was found at a frequency of 3.6e-05 in 251414 control chromosomes. The available data on variant occurrences in the general population are insufficient to allow any conclusion about variant significance. c.268A>G has been observed in a presumed compound heterozygous individual identified as having isolated hypermethioninemia based on newborn screening results (Wang_2021). This report does not provide unequivocal conclusions about association of the variant with Hepatic methionine adenosyltransferase deficiency. To our knowledge, no experimental evidence demonstrating an impact on protein function has been reported. The following publication has been ascertained in the context of this evaluation (PMID: 34794485). ClinVar contains an entry for this variant (Variation ID: 1415197). Based on the evidence outlined above, the variant was classified as uncertain significance.

Literature cited by the submitters: PubMed 34794485 (cited by Women's Health and Genetics/Laboratory Corporation of America, LabCorp).

NM_000429.3(MAT1A):c.268A>G (p.Ile90Val)

Gene: MAT1A (methionine adenosyltransferase 1A; minus strand). Cytogenetic location: 10q22.3.
Variant type: single nucleotide variant.
Coding change: c.268A>G on transcript NM_000429.3 (MANE Select); coding-DNA position 268, A replaced by G.
Protein change: p.Ile90Val; replaces isoleucine 90 with valine.
Molecular consequence: missense variant.
Genome position (GRCh38, 1-based): chr10:80,283,940, T>C on the plus strand (A>G on the coding strand, the complement: MAT1A is on the minus strand). VCF-style: chr10-80283940-T-C. GRCh37 (hg19) VCF-style: chr10-82043696-T-C.
Other names: short protein forms I90V.
Identifiers: ClinVar variation 1415197 (VCV001415197.7), dbSNP rs767250995, ClinGen allele CA5576843.